The following is an entry in ClinVar:

ClinVar aggregate classification (germline): Conflicting classifications of pathogenicity. Review status: criteria provided, conflicting classifications (1 of 4 stars). 8 submissions from 8 submitters: Likely pathogenic (1); Uncertain significance (2); Benign (1); Likely benign (3). 1 of the submissions does not count toward it. Last evaluated 2026-01-21.

Conditions:
RAI1-related disorder. Also called: RAI1-related condition.
Inborn genetic diseases. Identifiers: MedGen C0950123, MeSH D030342.
Smith-Magenis syndrome (SMS). Also called: CHROMOSOME 17p11.2 DELETION SYNDROME. Identifiers: Orphanet 819, MedGen C0795864, MONDO:0008434, OMIM 182290.

Allele frequency attached by ClinVar (database versions not stated): ESP Exome Variant Server 0.00008; 1000 Genomes Project 30x 0.00016; gnomAD 0.00026 and 0.00027; 1000 Genomes Project 0.00040; TOPMed 0.00022; ExAC 0.00047; gnomAD exomes 0.00024.
gnomAD v4.1: 252 of 1,563,784 alleles (0.016%); highest among the groups gnomAD compares: Non-Finnish European, 0.015%; no homozygotes.

Submissions (8):

Labcorp Genetics (formerly Invitae), Labcorp
Classification: Likely benign. Last evaluated: 2026-01-21. Review status: criteria provided, single submitter. Criteria: Invitae Variant Classification Sherloc (09022015). Collection method: clinical testing. Allele origin: germline.

CeGaT Center for Human Genetics Tuebingen
Classification: Likely benign. Last evaluated: 2026-01-01. Review status: criteria provided, single submitter. Criteria: CeGaT Center For Human Genetics Tuebingen Variant Classification Criteria Version 2. Collection method: clinical testing. Allele origin: germline. Affected: yes. Observed: 2 variant alleles.
Comment: RAI1: BS2

Laboratory of Prof. Karen Avraham, Tel Aviv University
Classification: Likely pathogenic for Smith-Magenis syndrome. Last evaluated: 2024-06-05. Review status: criteria provided, single submitter. Criteria: ACMG Guidelines, 2015. Collection method: research. Allele origin: germline. Affected: yes. Observed: 4 variant alleles.
Comment: Likely pathogenic by Deafness Variation Database based on PMID: 21857958.

Autosomal dominant; variability in symptoms and in degree of HL

Centre for Mendelian Genomics, University Medical Centre Ljubljana
Classification: Benign for Smith-Magenis syndrome. Last evaluated: 2018-11-07. Review status: criteria provided, single submitter. Criteria: ACMG Guidelines, 2015. Collection method: clinical testing. Allele origin: unknown. Affected: yes.
Comment: This variant was classified as: Benign. The following ACMG criteria were applied in classifying this variant: BS1,BS2,A.

Ambry Genetics
Classification: Likely benign for Inborn genetic diseases. Last evaluated: 2018-04-02. Review status: criteria provided, single submitter. Criteria: Ambry Variant Classification Scheme 2023. Collection method: clinical testing. Allele origin: germline.

Baylor Genetics
Classification: Uncertain significance for Smith-Magenis syndrome. Last evaluated: 2018-02-01. Review status: criteria provided, single submitter. Criteria: ACMG Guidelines, 2015. Collection method: clinical testing. Allele origin: maternal. Affected: yes.
Comment: This variant was determined to be of uncertain significance according to ACMG Guidelines, 2015 [PMID:25741868].

Eurofins Ntd Llc (ga)
Classification: Uncertain significance. Last evaluated: 2015-01-26. Review status: criteria provided, single submitter. Criteria: EGL Classification Definitions 2015. Collection method: clinical testing. Allele origin: germline. Observed: 4 variant alleles, 4 heterozygotes.

PreventionGenetics, part of Exact Sciences
Classification: Likely benign for RAI1-related condition. Last evaluated: 2020-02-04. Review status: no assertion criteria provided. Collection method: clinical testing. Allele origin: germline. Not counted in ClinVar's aggregate classification.
Comment: This variant is classified as likely benign based on ACMG/AMP sequence variant interpretation guidelines (Richards et al. 2015 PMID: 25741868, with internal and published modifications).

Literature cited by the submitters: PubMed 21857958 (cited by Ambry Genetics).

NM_030665.4(RAI1):c.3208G>A (p.Gly1070Arg)

Gene: RAI1 (retinoic acid induced 1; plus strand). Cytogenetic location: 17p11.2.
Variant type: single nucleotide variant.
Coding change: c.3208G>A on transcript NM_030665.4 (MANE Select); coding-DNA position 3208, G replaced by A.
Protein change: p.Gly1070Arg; replaces glycine 1070 with arginine.
Molecular consequence: missense variant.
Genome position (GRCh38, 1-based): chr17:17,796,156, G>A. VCF-style: chr17-17796156-G-A. GRCh37 (hg19) VCF-style: chr17-17699470-G-A.
Other names: short protein forms G1070R.
Identifiers: ClinVar variation 96184 (VCV000096184.27), dbSNP rs370633684, ClinGen allele CA223802.